The following continues an entry in ClinVar:

NM_007294.4(BRCA1):c.2934T>G (p.Tyr978Ter)

Gene: BRCA1. ClinVar aggregate classification (germline): Pathogenic. Pathogenic (1).

Submissions 9 to 15 of 15:

Women's Health and Genetics/Laboratory Corporation of America, LabCorp
Classification: Pathogenic for Hereditary breast and ovarian cancer syndrome. Last evaluated: 2018-02-23. Review status: criteria provided, single submitter. Criteria: LabCorp Variant Classification Summary - May 2015. Collection method: clinical testing. Allele origin: germline. Not counted in ClinVar's aggregate classification.
Comment: Variant summary: BRCA1 c.2934T>G (p.Tyr978X) results in a premature termination codon, predicted to cause a truncation of the encoded protein or absence of the protein due to nonsense mediated decay, which are commonly known mechanisms for disease. Truncations downstream of this position have been classified as pathogenic by our laboratory (e.g., p.Pro981fsX19 and p.Asn1002fsX22). The variant was absent in 246118 control chromosomes. The c.2934T>G variant has been reported in the literature in numerous individuals affected with Hereditary Breast and Ovarian Cancer. These data indicate that the variant is very likely to be associated with disease. To our knowledge, no experimental evidence demonstrating an impact on protein function has been reported. Seven clinical diagnostic laboratories have submitted clinical-significance assessments for this variant to ClinVar after 2014 without evidence for independent evaluation; all laboratories classified the variant as pathogenic. Based on the evidence outlined above, the variant was classified as pathogenic.

Consortium of Investigators of Modifiers of BRCA1/2 (CIMBA), c/o University of Cambridge
Classification: Pathogenic for Breast-ovarian cancer, familial, susceptibility to, 1. Last evaluated: 2015-10-02. Review status: criteria provided, single submitter. Criteria: CIMBA Mutation Classification guidelines May 2016. Collection method: clinical testing. Allele origin: germline. Not counted in ClinVar's aggregate classification.

Counsyl
Classification: Pathogenic for Breast-ovarian cancer, familial, susceptibility to, 1. Last evaluated: 2017-12-07. Review status: no assertion criteria provided. Collection method: clinical testing. Allele origin: unknown. Not counted in ClinVar's aggregate classification.

Research Molecular Genetics Laboratory, Women's College Hospital, University of Toronto
Classification: Pathogenic for Hereditary breast ovarian cancer syndrome. Last evaluated: 2014-01-31. Review status: no assertion criteria provided. Collection method: research. Allele origin: germline. Affected: yes. Study: The Canadian Open Genetics Repository (COGR). Not counted in ClinVar's aggregate classification.

Sharing Clinical Reports Project (SCRP)
Classification: Pathogenic for Breast-ovarian cancer, familial 1. Last evaluated: 2012-08-16. Review status: no assertion criteria provided. Collection method: clinical testing. Allele origin: germline. Not counted in ClinVar's aggregate classification.

Breast Cancer Information Core (BIC) (BRCA1)
Classification: Pathogenic for Breast-ovarian cancer, familial 1. Last evaluated: 2002-05-29. Review status: no assertion criteria provided. Collection method: clinical testing. Allele origin: germline. Affected: yes. Observed: 26 variant alleles. Not counted in ClinVar's aggregate classification.

Department of Pathology and Laboratory Medicine, Sinai Health System
Classification: Pathogenic for Malignant tumor of breast. Review status: no assertion criteria provided. Collection method: clinical testing. Allele origin: unknown. Affected: yes. Study: The Canadian Open Genetics Repository (COGR). Not counted in ClinVar's aggregate classification.

Literature cited by the submitters: PubMed 20104584 (cited by Labcorp Genetics (formerly Invitae), Labcorp and Variantyx, Inc.); PubMed 9667663 (cited by 4 submitters); PubMed 11493753 (cited by 3 submitters); PubMed 17591843 (cited by 4 submitters); PubMed 22399190 (cited by 4 submitters); PubMed 11157798 (cited by Variantyx, Inc.); PubMed 11102978 (cited by Ambry Genetics); PubMed 17148771 (cited by Ambry Genetics and Women's Health and Genetics/Laboratory Corporation of America, LabCorp); PubMed 21324516 (cited by 4 submitters); PubMed 29086229 (cited by Ambry Genetics and Quest Diagnostics Nichols Institute San Juan Capistrano); PubMed 30702160 (cited by Ambry Genetics and Quest Diagnostics Nichols Institute San Juan Capistrano); PubMed 31209999 (cited by Ambry Genetics and Quest Diagnostics Nichols Institute San Juan Capistrano); PubMed 30014164 (cited by Quest Diagnostics Nichols Institute San Juan Capistrano); PubMed 30322717 (cited by Quest Diagnostics Nichols Institute San Juan Capistrano); PubMed 26295337 (cited by Quest Diagnostics Nichols Institute San Juan Capistrano); PubMed 25452441 (cited by Color Diagnostics, LLC DBA Color Health); PubMed 26681312 (cited by Color Diagnostics, LLC DBA Color Health); PubMed 11304778 (cited by Women's Health and Genetics/Laboratory Corporation of America, LabCorp); PubMed 21913181 (cited by Women's Health and Genetics/Laboratory Corporation of America, LabCorp); PubMed 11179017 (cited by Women's Health and Genetics/Laboratory Corporation of America, LabCorp); PubMed 15951957 (cited by Women's Health and Genetics/Laboratory Corporation of America, LabCorp); PubMed 12655560 (cited by Women's Health and Genetics/Laboratory Corporation of America, LabCorp).